The following is an entry in ClinVar:

ClinVar aggregate classification (germline): Uncertain significance. Review status: criteria provided, multiple submitters, no conflicts (2 of 4 stars). 3 submissions from 3 submitters: Uncertain significance (3). Last evaluated 2025-11-03.

Conditions:
Inborn genetic diseases. Identifiers: MedGen C0950123, MeSH D030342.
Charcot-Marie-Tooth disease axonal type 2O. Also called: Charcot-Marie-Tooth disease, axonal, type 20; CHARCOT-MARIE-TOOTH NEUROPATHY, AXONAL, TYPE 2O; CHARCOT-MARIE-TOOTH DISEASE, AXONAL, AUTOSOMAL DOMINANT, TYPE 2O; Charcot-Marie-Tooth Neuropathy Type 2O. Identifiers: Orphanet 284232, MedGen C3280220, MONDO:0013644, OMIM 614228.

Allele frequency attached by ClinVar (database versions not stated): gnomAD 0.00001; TOPMed 0.00002.
gnomAD v4.1: 2 of 1,613,944 alleles (0.00012%); highest among the groups gnomAD compares: African/African-American, 0.0013%; no homozygotes.

Submissions (3):

Ambry Genetics
Classification: Uncertain significance for Inborn genetic diseases. Last evaluated: 2025-11-03. Review status: criteria provided, single submitter. Criteria: Ambry Variant Classification Scheme 2023. Collection method: clinical testing. Allele origin: germline.

Labcorp Genetics (formerly Invitae), Labcorp
Classification: Uncertain significance for Charcot-Marie-Tooth disease axonal type 2O. Last evaluated: 2025-10-07. Review status: criteria provided, single submitter. Criteria: Invitae Variant Classification Sherloc (09022015). Collection method: clinical testing. Allele origin: germline.
Comment: This sequence change replaces tyrosine, which is neutral and polar, with cysteine, which is neutral and slightly polar, at codon 2959 of the DYNC1H1 protein (p.Tyr2959Cys). This variant is not present in population databases (gnomAD no frequency). This variant has not been reported in the literature in individuals affected with DYNC1H1-related conditions. ClinVar contains an entry for this variant (Variation ID: 210885). Invitae Evidence Modeling of protein sequence and biophysical properties (such as structural, functional, and spatial information, amino acid conservation, physicochemical variation, residue mobility, and thermodynamic stability) has been performed for this missense variant. However, the output from this modeling did not meet the statistical confidence thresholds required to predict the impact of this variant on DYNC1H1 protein function. In summary, the available evidence is currently insufficient to determine the role of this variant in disease. Therefore, it has been classified as a Variant of Uncertain Significance.

Genetic Services Laboratory, University of Chicago
Classification: Uncertain significance. Last evaluated: 2014-05-06. Review status: criteria provided, single submitter. Criteria: ACMG Guidelines, 2015. Collection method: clinical testing. Allele origin: germline.

NM_001376.5(DYNC1H1):c.8876A>G (p.Tyr2959Cys)

Gene: DYNC1H1 (dynein cytoplasmic 1 heavy chain 1; plus strand). Cytogenetic location: 14q32.31.
Variant type: single nucleotide variant.
Coding change: c.8876A>G on transcript NM_001376.5 (MANE Select); coding-DNA position 8876, A replaced by G.
Protein change: p.Tyr2959Cys; replaces tyrosine 2959 with cysteine.
Molecular consequence: missense variant.
Genome position (GRCh38, 1-based): chr14:102,027,278, A>G. VCF-style: chr14-102027278-A-G. GRCh37 (hg19) VCF-style: chr14-102493615-A-G.
Other names: short protein forms Y2959C.
Identifiers: ClinVar variation 210885 (VCV000210885.16), dbSNP rs797045536, ClinGen allele CA205057.